The following is an entry in ClinVar:

NM_000051.4(ATM):c.7457G>C (p.Arg2486Pro)

Genes: ATM (ATM serine/threonine kinase; plus strand), C11orf65 (chromosome 11 open reading frame 65; minus strand). Cytogenetic location: 11q22.3.
Variant type: single nucleotide variant.
Coding change: c.7457G>C on transcript NM_000051.4 (MANE Select); coding-DNA position 7457, G replaced by C.
Protein change: p.Arg2486Pro; replaces arginine 2486 with proline.
Molecular consequence: missense variant. On other transcripts: intron variant (2).
Genome position (GRCh38, 1-based): chr11:108,330,363, G>C. VCF-style: chr11-108330363-G-C. GRCh37 (hg19) VCF-style: chr11-108201090-G-C.
Other names: c.7457G>C, p.Arg2486Pro (NM_001351834.2); c.641-21292C>G (NM_001330368.2); c.*38+4857C>G (NM_001351110.2); short protein forms R2486P.
Identifiers: ClinVar variation 2812380 (VCV002812380.3), dbSNP rs773944604, ClinGen allele CA382560379.
Genomic context (GRCh38, chr11:108,330,363, plus strand): 5'-CAGTTGAAAATTATATCAACTGCTTATTAAGTGGAGAAGAACATGATATGTGGGTATTCC[G>C]ACTTTGTTCCCTCTGGCTTGAAAATTCTGGAGTTTCTGAAGTCAATGGCATGATGAAGGC-3'
Protein context (NP_000042.3, residues 2476-2496): SGEEHDMWVF[Arg2486Pro]LCSLWLENSG

ClinVar aggregate classification (germline): Uncertain significance (1 of 4 stars; one submission).

Conditions:
Ataxia-telangiectasia syndrome (AT). Also called: LOUIS-BAR SYNDROME; Cerebello-oculocutaneous telangiectasia; Immunodeficiency with ataxia telangiectasia; Ataxia telangiectasia (A-T); Ataxia-telangiectasia, complementation group D; AT, COMPLEMENTATION GROUP C. Identifiers: Orphanet 100, MedGen C0004135, MONDO:0008840, OMIM 208900.

Submission:

Labcorp Genetics (formerly Invitae), Labcorp
Classification: Uncertain significance for Ataxia-telangiectasia syndrome. Last evaluated: 2025-12-08. Review status: criteria provided, single submitter. Criteria: Invitae Variant Classification Sherloc (09022015). Collection method: clinical testing. Allele origin: germline.
Comment: This sequence change replaces arginine, which is basic and polar, with proline, which is neutral and non-polar, at codon 2486 of the ATM protein (p.Arg2486Pro). This variant is not present in population databases (gnomAD no frequency). This variant has not been reported in the literature in individuals affected with ATM-related conditions. ClinVar contains an entry for this variant (Variation ID: 2812380). Invitae Evidence Modeling of protein sequence and biophysical properties (such as structural, functional, and spatial information, amino acid conservation, physicochemical variation, residue mobility, and thermodynamic stability) indicates that this missense variant is expected to disrupt ATM protein function with a positive predictive value of 95%. In summary, the available evidence is currently insufficient to determine the role of this variant in disease. Therefore, it has been classified as a Variant of Uncertain Significance.